The following is an entry in ClinVar:

NM_001283009.2(RTEL1):c.1295G>C (p.Arg432Pro)

Genes: RTEL1 (regulator of telomere elongation helicase 1; plus strand), RTEL1-TNFRSF6B (RTEL1-TNFRSF6B readthrough (NMD candidate); plus strand). Cytogenetic location: 20q13.33.
Variant type: single nucleotide variant.
Coding change: c.1295G>C on transcript NM_001283009.2 (MANE Select); coding-DNA position 1295, G replaced by C.
Protein change: p.Arg432Pro; replaces arginine 432 with proline.
Molecular consequence: missense variant. On other transcripts: non-coding transcript variant (1).
Genome position (GRCh38, 1-based): chr20:63,685,819, G>C. VCF-style: chr20-63685819-G-C. GRCh37 (hg19) VCF-style: chr20-62317172-G-C.
Other names: c.626G>C, p.Arg209Pro (NM_001283010.1); c.1295G>C, p.Arg432Pro (NM_016434.4); c.1367G>C, p.Arg456Pro (NM_032957.5); short protein forms R456P, R432P, R209P.
Identifiers: ClinVar variation 4844077 (VCV004844077.1).

ClinVar aggregate classification (germline): Uncertain significance (1 of 4 stars; one submission).

Conditions:
Inborn genetic diseases. Identifiers: MedGen C0950123, MeSH D030342.

Submission:

Ambry Genetics
Classification: Uncertain significance for Inborn genetic diseases. Last evaluated: 2025-12-24. Review status: criteria provided, single submitter. Criteria: Ambry Variant Classification Scheme 2023. Collection method: clinical testing. Allele origin: germline.
Comment: The p.R432P variant (also known as c.1295G>C), located in coding exon 15 of the RTEL1 gene, results from a G to C substitution at nucleotide position 1295. The arginine at codon 432 is replaced by proline, an amino acid with dissimilar properties. This amino acid position is conserved. In addition, this alteration is predicted to be tolerated by in silico analysis. Based on the available evidence, the clinical significance of this variant remains unclear.